The following is an entry in ClinVar:

NM_001020658.2(PUM1):c.2003C>T (p.Pro668Leu)

Gene: PUM1 (pumilio RNA binding family member 1; minus strand). Cytogenetic location: 1p35.2.
Variant type: single nucleotide variant.
Coding change: c.2003C>T on transcript NM_001020658.2 (MANE Select); coding-DNA position 2003, C replaced by T.
Protein change: p.Pro668Leu; replaces proline 668 with leucine.
Molecular consequence: missense variant.
Genome position (GRCh38, 1-based): chr1:30,966,065, G>A on the plus strand (C>T on the coding strand, the complement: PUM1 is on the minus strand). VCF-style: chr1-30966065-G-A. GRCh37 (hg19) VCF-style: chr1-31438912-G-A.
Other names: c.2003C>T, p.Pro668Leu (NM_014676.3); short protein forms P668L.
Identifiers: ClinVar variation 1698225 (VCV001698225.2), dbSNP rs988242754, ClinGen allele CA20109204.

ClinVar aggregate classification (germline): Uncertain significance (1 of 4 stars; one submission).

Allele frequency attached by ClinVar (database versions not stated): gnomAD 0.00001; gnomAD exomes 0.00001; TOPMed 0.00001.
gnomAD v4.1: 13 of 1,614,110 alleles (0.00081%); highest among the groups gnomAD compares: Admixed American, 0.0017%; no homozygotes.

Submission:

GeneDx
Classification: Uncertain significance. Last evaluated: 2022-01-20. Review status: criteria provided, single submitter. Criteria: GeneDx Variant Classification Process June 2021. Collection method: clinical testing. Allele origin: germline. Affected: yes.
Comment: Not observed at significant frequency in large population cohorts (gnomAD); In silico analysis supports that this missense variant has a deleterious effect on protein structure/function; Has not been previously published as pathogenic or benign to our knowledge